The following is an entry in ClinVar:

NM_015631.6(TCTN3):c.1453-3C>G

Gene: TCTN3 (tectonic family member 3; minus strand). Cytogenetic location: 10q24.1.
Variant type: single nucleotide variant.
Coding change: c.1453-3C>G on transcript NM_015631.6 (MANE Select); 3 bases into the intron before coding-DNA position 1453, C replaced by G.
Molecular consequence: intron variant.
Genome position (GRCh38, 1-based): chr10:95,680,612, G>C on the plus strand (C>G on the coding strand, the complement: TCTN3 is on the minus strand). VCF-style: chr10-95680612-G-C. GRCh37 (hg19) VCF-style: chr10-97440369-G-C.
Other names: c.1009-3C>G (NM_001143973.2); c.1357-3C>G (NM_001410982.1).
Identifiers: ClinVar variation 5017528 (VCV005017528.1).
Genomic context (GRCh38, chr10:95,680,612, plus strand): 5'-ACAATACCTGGATCTCCAGGGAAACTGGTATGAGACAGCAGGAAGTACAGTTTATAGCCT[G>C]CAGAAGGGTAAAGAAGCATCTGCTTGAATTGCCTGATGGTTGCCTATAGTCAATCACCAA-3'

ClinVar aggregate classification (germline): Uncertain significance (1 of 4 stars; one submission).

Submission:

GeneDx
Classification: Uncertain significance. Last evaluated: 2026-03-25. Review status: criteria provided, single submitter. Criteria: GeneDx Variant Classification Process June 2021. Collection method: clinical testing. Allele origin: germline.
Comment: Not observed at significant frequency in large population cohorts (gnomAD); In silico analysis supports a deleterious effect on splicing; Has not been previously published as pathogenic or benign to our knowledge